The following is an entry in ClinVar:

ClinVar aggregate classification (germline): Conflicting classifications of pathogenicity. Review status: criteria provided, conflicting classifications (1 of 4 stars). 6 submissions from 6 submitters: Uncertain significance (4); Benign (1); Likely benign (1). Last evaluated 2026-01-26.

Conditions:
AXIN2-related disorder.
Hereditary cancer-predisposing syndrome. Also called: Neoplastic Syndromes, Hereditary; Hereditary neoplastic syndrome; Hereditary Cancer Syndrome; Tumor predisposition. Identifiers: Orphanet 140162, MedGen C0027672, MeSH D009386, MONDO:0015356.
Oligodontia-cancer predisposition syndrome. Also called: TOOTH AGENESIS-COLORECTAL CANCER SYNDROME. Identifiers: Orphanet 300576, MedGen C1837750, MONDO:0012075, OMIM 608615. Disease mechanism: loss of function.

Allele frequency attached by ClinVar (database versions not stated): TOPMed 0.00020; gnomAD exomes 0.00002; gnomAD 0.00013; 1000 Genomes Project 30x 0.00016; 1000 Genomes Project 0.00020.
gnomAD v4.1: 36 of 1,614,068 alleles (0.0022%); highest among the groups gnomAD compares: African/African-American, 0.044%; no homozygotes.

Submissions (6):

Labcorp Genetics (formerly Invitae), Labcorp
Classification: Uncertain significance for Oligodontia-cancer predisposition syndrome. Last evaluated: 2026-01-26. Review status: criteria provided, single submitter. Criteria: Invitae Variant Classification Sherloc (09022015). Collection method: clinical testing. Allele origin: germline.
Comment: This sequence change replaces glycine, which is neutral and non-polar, with tryptophan, which is neutral and slightly polar, at codon 545 of the AXIN2 protein (p.Gly545Trp). This variant is present in population databases (rs148951121, gnomAD 0.04%). This variant has not been reported in the literature in individuals affected with AXIN2-related conditions. ClinVar contains an entry for this variant (Variation ID: 239995). Invitae Evidence Modeling of protein sequence and biophysical properties (such as structural, functional, and spatial information, amino acid conservation, physicochemical variation, residue mobility, and thermodynamic stability) indicates that this missense variant is not expected to disrupt AXIN2 protein function with a negative predictive value of 80%. In summary, the available evidence is currently insufficient to determine the role of this variant in disease. Therefore, it has been classified as a Variant of Uncertain Significance.

PreventionGenetics, part of Exact Sciences
Classification: Uncertain significance for AXIN2-related condition. Last evaluated: 2024-12-15. Review status: criteria provided, single submitter. Criteria: ACMG Guidelines, 2015. Collection method: clinical testing. Allele origin: germline.
Comment: The AXIN2 c.1633G>T variant is predicted to result in the amino acid substitution p.Gly545Trp. To our knowledge, this variant has not been reported in the literature. This variant is reported in 0.040% of alleles in individuals of African descent in gnomAD and is interpreted as a variant of uncertain significance by the majority of the submitters in ClinVar. At this time, the clinical significance of this variant is uncertain due to the absence of conclusive functional and genetic evidence.

GeneDx
Classification: Uncertain significance. Last evaluated: 2024-03-12. Review status: criteria provided, single submitter. Criteria: GeneDx Variant Classification Process June 2021. Collection method: clinical testing. Allele origin: germline. Affected: yes.
Comment: In silico analysis supports that this missense variant does not alter protein structure/function; Has not been previously published as pathogenic or benign to our knowledge

Ambry Genetics
Classification: Benign for Hereditary cancer-predisposing syndrome. Last evaluated: 2024-01-04. Review status: criteria provided, single submitter. Criteria: Ambry Variant Classification Scheme 2023. Collection method: clinical testing. Allele origin: germline.

Sema4
Classification: Likely benign for Hereditary cancer-predisposing syndrome. Last evaluated: 2021-03-26. Review status: criteria provided, single submitter. Criteria: Sema4 Curation Guidelines. Collection method: curation. Allele origin: germline.

Baylor Genetics
Classification: Uncertain significance for Oligodontia-cancer predisposition syndrome. Last evaluated: 2019-01-23. Review status: criteria provided, single submitter. Criteria: ACMG Guidelines, 2015. Collection method: clinical testing. Allele origin: maternal. Affected: yes. Study: CSER-TexasKidsCanSeq.
Comment: This variant was determined to be of uncertain significance according to ACMG Guidelines, 2015 [PMID:25741868].

NM_004655.4(AXIN2):c.1633G>T (p.Gly545Trp)

Gene: AXIN2 (axin 2; minus strand). Cytogenetic location: 17q24.1.
Variant type: single nucleotide variant.
Coding change: c.1633G>T on transcript NM_004655.4 (MANE Select); coding-DNA position 1633, G replaced by T.
Protein change: p.Gly545Trp; replaces glycine 545 with tryptophan.
Molecular consequence: missense variant.
Genome position (GRCh38, 1-based): chr17:65,537,403, C>A on the plus strand (G>T on the coding strand, the complement: AXIN2 is on the minus strand). VCF-style: chr17-65537403-C-A. GRCh37 (hg19) VCF-style: chr17-63533521-C-A.
Other names: c.1633G>T (LRG_296t1); c.1633G>T, p.Gly545Trp (NM_001363813.1); short protein forms G545W.
Identifiers: ClinVar variation 239995 (VCV000239995.22), dbSNP rs148951121, ClinGen allele CA8718593.